The following is an entry in ClinVar:

NM_198904.4(GABRG2):c.922+108A>C

Gene: GABRG2 (gamma-aminobutyric acid type A receptor subunit gamma2; plus strand). Cytogenetic location: 5q34.
Variant type: single nucleotide variant.
Coding change: c.922+108A>C on transcript NM_198904.4 (MANE Select); 108 bases into the intron after coding-DNA position 922, A replaced by C.
Molecular consequence: intron variant.
Genome position (GRCh38, 1-based): chr5:162,142,424, A>C. VCF-style: chr5-162142424-A-C. GRCh37 (hg19) VCF-style: chr5-161569430-A-C.
Other names: c.922+108A>C (NM_000816.3, NM_001375340.1); c.637+108A>C (NM_001375349.1); c.1042+108A>C (NM_001375343.1, NM_198903.2); c.961+108A>C (NM_001375344.1); c.919+108A>C (NM_001375341.1, NM_001375342.1); c.502+108A>C (NM_001375350.1, NM_001375348.1); c.913+108A>C (NM_001375339.1); c.856+108A>C (NM_001375346.1, NM_001375345.1); and 1 more.
Identifiers: ClinVar variation 675186 (VCV000675186.1), dbSNP rs12520992, ClinGen allele CA15375642.

ClinVar aggregate classification (germline): Benign (1 of 4 stars; one submission).

Allele frequency attached by ClinVar (database versions not stated): 1000 Genomes Project 0.05292; 1000 Genomes Project 30x 0.05340; TOPMed 0.08617.
gnomAD v4.1: 137,124 of 1,150,928 alleles (12%); highest among the groups gnomAD compares: Non-Finnish European, 14%; 9,481 homozygotes.

Submission:

GeneDx
Classification: Benign. Last evaluated: 2018-06-14. Review status: criteria provided, single submitter. Criteria: GeneDx Variant Classification (06012015). Collection method: clinical testing. Allele origin: germline. Affected: yes.
Comment: This variant is considered likely benign or benign based on one or more of the following criteria: it is a conservative change, it occurs at a poorly conserved position in the protein, it is predicted to be benign by multiple in silico algorithms, and/or has population frequency not consistent with disease.